The following is an entry in ClinVar:

NM_022168.4(IFIH1):c.2885G>C (p.Cys962Ser)

Gene: IFIH1 (interferon induced with helicase C domain 1; minus strand). Cytogenetic location: 2q24.2.
Variant type: single nucleotide variant.
Coding change: c.2885G>C on transcript NM_022168.4 (MANE Select); coding-DNA position 2885, G replaced by C.
Protein change: p.Cys962Ser; replaces cysteine 962 with serine.
Molecular consequence: missense variant.
Genome position (GRCh38, 1-based): chr2:162,267,492, C>G on the plus strand (G>C on the coding strand, the complement: IFIH1 is on the minus strand). VCF-style: chr2-162267492-C-G. GRCh37 (hg19) VCF-style: chr2-163124002-C-G.
Other names: short protein forms C962S.
Identifiers: ClinVar variation 3753613 (VCV003753613.2).

ClinVar aggregate classification (germline): Uncertain significance (1 of 4 stars; one submission).

Conditions:
Singleton-Merten syndrome 1 (SGMRT1). Also called: Widened medullary cavities of bone, aortic calcification, abnormal dentition, and muscular weakness; Syndrome of widened medullary cavities of the metacarpals and phalanges, aortic calcification and abnormal dentition. Identifiers: Orphanet 85191, MedGen C4225427, MONDO:0024535, OMIM 182250.
Aicardi-Goutieres syndrome 7 (AGS7). Identifiers: Orphanet 51, MedGen C3888244, MONDO:0014367, OMIM 615846.

Submission:

Labcorp Genetics (formerly Invitae), Labcorp
Classification: Uncertain significance for Aicardi-Goutieres syndrome 7; Singleton-Merten syndrome 1. Last evaluated: 2024-06-24. Review status: criteria provided, single submitter. Criteria: Invitae Variant Classification Sherloc (09022015). Collection method: clinical testing. Allele origin: germline.
Comment: This sequence change replaces cysteine, which is neutral and slightly polar, with serine, which is neutral and polar, at codon 962 of the IFIH1 protein (p.Cys962Ser). This variant is not present in population databases (gnomAD no frequency). This variant has not been reported in the literature in individuals affected with IFIH1-related conditions. Advanced modeling of protein sequence and biophysical properties (such as structural, functional, and spatial information, amino acid conservation, physicochemical variation, residue mobility, and thermodynamic stability) has been performed at Invitae for this missense variant, however the output from this modeling did not meet the statistical confidence thresholds required to predict the impact of this variant on IFIH1 protein function. In summary, the available evidence is currently insufficient to determine the role of this variant in disease. Therefore, it has been classified as a Variant of Uncertain Significance.